The following is an entry in ClinVar:

NM_001754.5(RUNX1):c.552G>T (p.Pro184=)

Genes: RUNX1-AS1 (RUNX1 antisense RNA 1; plus strand), RUNX1 (RUNX family transcription factor 1; minus strand). Cytogenetic location: 21q22.12.
Variant type: single nucleotide variant.
Coding change: c.552G>T on transcript NM_001754.5 (MANE Select); coding-DNA position 552, G replaced by T.
Protein change: p.Pro184=; no amino-acid change (proline 184 retained).
Molecular consequence: synonymous variant.
Genome position (GRCh38, 1-based): chr21:34,859,535, C>A on the plus strand (G>T on the coding strand, the complement: RUNX1 is on the minus strand). VCF-style: chr21-34859535-C-A. GRCh37 (hg19) VCF-style: chr21-36231832-C-A.
Other names: c.471G>T, p.Pro157= (NM_001001890.3, NM_001122607.2).
Identifiers: ClinVar variation 463997 (VCV000463997.15), dbSNP rs752586117, ClinGen allele CA10014477.
Genomic context (GRCh38, chr21:34,859,535, plus strand): 5'-TCGAGGTTCTCGGGGCCCATCCACTGTGATTTTGATGGCTCTGTGGTAGGTGGCGACTTG[C>A]GGTGGGTTTGTGAAGACAGTGATGGTCAGAGTGAAGCTTTTCCCTGTGGGGACACGATAG-3'
Protein context (NP_001745.2, residues 174-194): TLTITVFTNP[Pro184=]QVATYHRAIK

ClinVar aggregate classification (germline): Benign. Review status: reviewed by expert panel (3 of 4 stars). 5 submissions from 5 submitters: Benign (1). 4 of the submissions do not count toward it. Last evaluated 2020-08-24.

Conditions:
Hereditary thrombocytopenia and hematologic cancer predisposition syndrome. Identifiers: Orphanet 71290, MedGen CN281654, MONDO:0011071.
Hereditary thrombocytopenia and hematological cancer predisposition syndrome associated with RUNX1. Also called: RUNX1 Familial Platelet Disorder with Associated Myeloid Malignancies; Familial Platelet Disorder with Propensity to Acute Myelogenous Leukemia; PLATELET DISORDER, ASPIRIN-LIKE; Familial thrombocytopenia with propensity to acute myelogenous leukemia. Identifiers: Orphanet 71290, MedGen C1832388, MeSH C563324, MONDO:0100083, OMIM 601399.
Inborn genetic diseases. Identifiers: MedGen C0950123, MeSH D030342.

Allele frequency attached by ClinVar (database versions not stated): gnomAD 0.00006; TOPMed 0.00012.
gnomAD v4.1: 35 of 1,614,110 alleles (0.0022%); highest among the groups gnomAD compares: East Asian, 0.076%; no homozygotes.

Submissions (5):

ClinGen Myeloid Malignancy Variant Curation Expert Panel
Classification: Benign for Hereditary thrombocytopenia and hematologic cancer predisposition syndrome. Last evaluated: 2020-08-24. Review status: reviewed by expert panel. Criteria: ClinGen MyeloMalig ACMG Specifications v1. Collection method: curation. Allele origin: germline. Inheritance: Autosomal dominant inheritance.
Comment: The c.552G>T variant predicts a synonymous change, Pro184= and has an MAF of 0.001654 (0.17%, 33/19954 alleles) in the East Asian subpopulation of the gnomAD v2.1.1 cohort and is â‰¥ 0.0015 (0.15%) (BA1). This synonymous variant is predicted by SSF and MES to lead to either an increase in the canonical splice site score or a decrease of the canonical splice site score by no more than 10% and no putative cryptic splice sites are created (BP4). In addition, evolutionary conservation prediction algorithms predict the site as not being highly conserved (PhyloP score -8.975 < 0.1) (BP7). In summary, this variant meets criteria to be classified as benign. ACMG/AMP criteria applied, as specified by the Myeloid Malignancy Variant Curation Expert Panel for RUNX1: BA1, BP4, BP7.

Labcorp Genetics (formerly Invitae), Labcorp
Classification: Benign for Hereditary thrombocytopenia and hematological cancer predisposition syndrome associated with RUNX1. Last evaluated: 2025-12-30. Review status: criteria provided, single submitter. Criteria: Invitae Variant Classification Sherloc (09022015). Collection method: clinical testing. Allele origin: germline. Not counted in ClinVar's aggregate classification.

Ambry Genetics
Classification: Likely benign for Inborn genetic diseases. Last evaluated: 2024-08-21. Review status: criteria provided, single submitter. Criteria: Ambry Variant Classification Scheme 2023. Collection method: clinical testing. Allele origin: germline. Not counted in ClinVar's aggregate classification.

Blueprint Genetics
Classification: Likely benign. Last evaluated: 2024-06-24. Review status: criteria provided, single submitter. Criteria: ACMG Guidelines, 2015. Collection method: clinical testing. Allele origin: germline. Not counted in ClinVar's aggregate classification.

PreventionGenetics, part of Exact Sciences
Classification: Likely benign. Last evaluated: 2017-01-16. Review status: criteria provided, single submitter. Criteria: ACMG Guidelines, 2015. Collection method: clinical testing. Allele origin: germline. Not counted in ClinVar's aggregate classification.